The following is an entry in ClinVar:

NM_000824.5(GLRB):c.1114C>A (p.Gln372Lys)

Gene: GLRB (glycine receptor beta; plus strand). Cytogenetic location: 4q32.1.
Variant type: single nucleotide variant.
Coding change: c.1114C>A on transcript NM_000824.5 (MANE Select); coding-DNA position 1114, C replaced by A.
Protein change: p.Gln372Lys; replaces glutamine 372 with lysine.
Molecular consequence: missense variant. On other transcripts: intron variant (1).
Genome position (GRCh38, 1-based): chr4:157,152,927, C>A. VCF-style: chr4-157152927-C-A. GRCh37 (hg19) VCF-style: chr4-158074079-C-A.
Other names: c.1114C>A (NM_000824.4); c.1114C>A, p.Gln372Lys (NM_001166060.2); c.904+8968C>A (NM_001166061.2); short protein forms Q372K.
Identifiers: ClinVar variation 1407855 (VCV001407855.7), dbSNP rs770934436, ClinGen allele CA3119943.
Genomic context (GRCh38, chr4:157,152,927, plus strand): 5'-GTGATGCTGAACAACCCCAAAAGGGTTGAAGCTGAAAAAGCCAGAATTGCTAAGGCTGAG[C>A]AAGCAGATGGAAAAGGTGGAAATGTGGCTAAAAAGAATACTGTGAATGGAACAGGGACTC-3'
Protein context (NP_000815.1, residues 362-382): AEKARIAKAE[Gln372Lys]ADGKGGNVAK

ClinVar aggregate classification (germline): Uncertain significance. Review status: criteria provided, multiple submitters, no conflicts (2 of 4 stars). 3 submissions from 3 submitters: Uncertain significance (3). Last evaluated 2025-01-18.

Conditions:
Hyperekplexia 2 (HKPX2). Identifiers: Orphanet 3197, MedGen C3553291, MONDO:0013828, OMIM 614619.
Inborn genetic diseases. Identifiers: MedGen C0950123, MeSH D030342.

Allele frequency attached by ClinVar (database versions not stated): gnomAD exomes 0.00004; gnomAD 0.00005; ExAC 0.00006; TOPMed 0.00009.
gnomAD v4.1: 134 of 1,613,710 alleles (0.0083%); highest among the groups gnomAD compares: Non-Finnish European, 0.011%; no homozygotes.

Submissions (3):

Ambry Genetics
Classification: Uncertain significance for Inborn genetic diseases. Last evaluated: 2025-01-18. Review status: criteria provided, single submitter. Criteria: Ambry Variant Classification Scheme 2023. Collection method: clinical testing. Allele origin: germline.

Labcorp Genetics (formerly Invitae), Labcorp
Classification: Uncertain significance for Hyperekplexia 2. Last evaluated: 2024-11-05. Review status: criteria provided, single submitter. Criteria: Invitae Variant Classification Sherloc (09022015). Collection method: clinical testing. Allele origin: germline.
Comment: This sequence change replaces glutamine, which is neutral and polar, with lysine, which is basic and polar, at codon 372 of the GLRB protein (p.Gln372Lys). This variant is present in population databases (rs770934436, gnomAD 0.009%). This variant has not been reported in the literature in individuals affected with GLRB-related conditions. ClinVar contains an entry for this variant (Variation ID: 1407855). Invitae Evidence Modeling of protein sequence and biophysical properties (such as structural, functional, and spatial information, amino acid conservation, physicochemical variation, residue mobility, and thermodynamic stability) indicates that this missense variant is not expected to disrupt GLRB protein function with a negative predictive value of 80%. In summary, the available evidence is currently insufficient to determine the role of this variant in disease. Therefore, it has been classified as a Variant of Uncertain Significance.

Breakthrough Genomics
Classification: Uncertain significance. Review status: criteria provided, single submitter. Criteria: ACMG Guidelines, 2015. Collection method: not provided. Allele origin: germline. Inheritance: Autosomal recessive inheritance. Affected: yes.